The following is an entry in ClinVar:

ClinVar aggregate classification (germline): Conflicting classifications of pathogenicity. Review status: criteria provided, conflicting classifications (1 of 4 stars). 6 submissions from 6 submitters: Uncertain significance (4); Likely benign (1). 1 of the submissions does not count toward it. Last evaluated 2026-06-23.

Conditions:
NPC1-related disorder. Also called: NPC1-related condition.
Niemann-Pick disease, type C1. Also called: NEUROVISCERAL STORAGE DISEASE WITH VERTICAL SUPRANUCLEAR OPHTHALMOPLEGIA; NIEMANN-PICK DISEASE WITH CHOLESTEROL ESTERIFICATION BLOCK; NIEMANN-PICK DISEASE WITHOUT SPHINGOMYELINASE DEFICIENCY; NIEMANN-PICK DISEASE, CHRONIC NEURONOPATHIC FORM; NIEMANN-PICK DISEASE, VARIANT TYPE C1. Identifiers: Orphanet 646, MedGen C3179455, MONDO:0009757, OMIM 257220.

Allele frequency attached by ClinVar (database versions not stated): ExAC 0.00015; ESP Exome Variant Server 0.00015; gnomAD 0.00019 and 0.00017; gnomAD exomes 0.00022 and 0.00019; TOPMed 0.00013.
gnomAD v4.1: 339 of 1,614,112 alleles (0.021%); highest among the groups gnomAD compares: Middle Eastern, 0.049%; no homozygotes.

Submissions (6):

GeneDx
Classification: Uncertain significance. Last evaluated: 2026-06-23. Review status: criteria provided, single submitter. Criteria: GeneDx Variant Classification Process June 2021. Collection method: clinical testing. Allele origin: germline.
Comment: In silico analysis indicates that this missense variant does not alter protein structure/function; This variant is associated with the following publications: (PMID: 33990640, 24767253, 25764212, 37251532, 33624863)

Labcorp Genetics (formerly Invitae), Labcorp
Classification: Likely benign for Niemann-Pick disease, type C1. Last evaluated: 2026-01-20. Review status: criteria provided, single submitter. Criteria: Invitae Variant Classification Sherloc (09022015). Collection method: clinical testing. Allele origin: germline.

Mayo Clinic Laboratories, Mayo Clinic
Classification: Uncertain significance. Last evaluated: 2024-03-19. Review status: criteria provided, single submitter. Criteria: ACMG Guidelines, 2015. Collection method: clinical testing. Allele origin: germline. Observed: 1 variant allele.

Fulgent Genetics
Classification: Uncertain significance for Niemann-Pick disease, type C1. Last evaluated: 2018-10-31. Review status: criteria provided, single submitter. Criteria: ACMG Guidelines, 2015. Collection method: clinical testing. Allele origin: unknown.

Eurofins Ntd Llc (ga)
Classification: Uncertain significance. Last evaluated: 2017-11-29. Review status: criteria provided, single submitter. Criteria: EGL Classification Definitions 2015. Collection method: clinical testing. Allele origin: germline. Observed: 2 variant alleles, 2 heterozygotes.

PreventionGenetics, part of Exact Sciences
Classification: Uncertain significance for NPC1-related condition. Last evaluated: 2024-08-20. Review status: no assertion criteria provided. Collection method: clinical testing. Allele origin: germline. Not counted in ClinVar's aggregate classification.
Comment: The NPC1 c.2257G>A variant is predicted to result in the amino acid substitution p.Val753Met. This variant has not been reported in an individual with ataxia and assessed as a variant of unknown significance (Vural et al. 2021. PubMed ID: 33624863). This variant is reported in 0.039% of alleles in individuals of European (Non-Finnish) descent in gnomAD. At this time, the clinical significance of this variant is uncertain due to the absence of conclusive functional and genetic evidence.

Literature cited by the submitters: PubMed 33624863 (cited by Mayo Clinic Laboratories, Mayo Clinic); PubMed 37251532 (cited by Mayo Clinic Laboratories, Mayo Clinic).

NM_000271.5(NPC1):c.2257G>A (p.Val753Met)

Gene: NPC1 (NPC intracellular cholesterol transporter 1; minus strand). Cytogenetic location: 18q11.2.
Variant type: single nucleotide variant.
Coding change: c.2257G>A on transcript NM_000271.5 (MANE Select); coding-DNA position 2257, G replaced by A.
Protein change: p.Val753Met; replaces valine 753 with methionine.
Molecular consequence: missense variant.
Genome position (GRCh38, 1-based): chr18:23,541,422, C>T on the plus strand (G>A on the coding strand, the complement: NPC1 is on the minus strand). VCF-style: chr18-23541422-C-T. GRCh37 (hg19) VCF-style: chr18-21121386-C-T.
Other names: p.Val753Met; short protein forms V753M.
Identifiers: ClinVar variation 287771 (VCV000287771.19), dbSNP rs146874573, ClinGen allele CA8913159.
Genomic context (GRCh38, chr18:23,541,422, plus strand): 5'-GAAAGTCAATGAAGACTGCCAATCCCGCAAAGAGAGAGAAGGTGTGCACGGCTGGCATCA[C>T]GGACAATGCTCCTGTCGGGGAGAGAAGGGCTCTGCGTCACTTCTGTTTACAGCCGGGGGC-3'
Protein context (NP_000262.2, residues 743-763): TVAFFLGALS[Val753Met]MPAVHTFSLF